The following is an entry in ClinVar:

NM_005051.3(QARS1):c.2304G>A (p.Leu768=)

Gene: QARS1 (glutaminyl-tRNA synthetase 1; minus strand). Cytogenetic location: 3p21.31.
Variant type: single nucleotide variant.
Coding change: c.2304G>A on transcript NM_005051.3 (MANE Select); coding-DNA position 2304, G replaced by A.
Protein change: p.Leu768=; no amino-acid change (leucine 768 retained).
Molecular consequence: synonymous variant. On other transcripts: non-coding transcript variant (1).
Genome position (GRCh38, 1-based): chr3:49,096,053, C>T on the plus strand (G>A on the coding strand, the complement: QARS1 is on the minus strand). VCF-style: chr3-49096053-C-T. GRCh37 (hg19) VCF-style: chr3-49133486-C-T.
Other names: c.2271G>A, p.Leu757= (NM_001272073.2).
Identifiers: ClinVar variation 506822 (VCV000506822.1), dbSNP rs767099836, ClinGen allele CA2391443.

ClinVar aggregate classification (germline): Likely benign (1 of 4 stars; one submission).

Allele frequency attached by ClinVar (database versions not stated): gnomAD below 0.00001 and 0.00001; gnomAD exomes 0.00001 and 0.00002; ExAC 0.00003.

Submission:

GeneDx
Classification: Likely benign. Last evaluated: 2017-01-31. Review status: criteria provided, single submitter. Criteria: GeneDx Variant Classification (06012015). Collection method: clinical testing. Allele origin: germline. Affected: yes.
Comment: This variant is considered likely benign or benign based on one or more of the following criteria: it is a conservative change, it occurs at a poorly conserved position in the protein, it is predicted to be benign by multiple in silico algorithms, and/or has population frequency not consistent with disease.